The following is an entry in ClinVar:

ClinVar aggregate classification (germline): Uncertain significance. Review status: criteria provided, multiple submitters, no conflicts (2 of 4 stars). 2 submissions from 2 submitters: Uncertain significance (2). Last evaluated 2025-11-08.

Conditions:
Actin accumulation myopathy (CMYO2A). Also called: CONGENITAL MYOPATHY 2A, TYPICAL, AUTOSOMAL DOMINANT; Myopathy, actin, congenital, with cores; Nemaline myopathy 3, with intranuclear rods; Nemaline myopathy type 3; Myopathy, actin, congenital, with excess of thin myofilaments. Identifiers: Orphanet 98904, MedGen C3711389, MONDO:0008070, OMIM 161800.

Submissions (2):

Labcorp Genetics (formerly Invitae), Labcorp
Classification: Uncertain significance for Actin accumulation myopathy. Last evaluated: 2025-11-08. Review status: criteria provided, single submitter. Criteria: Invitae Variant Classification Sherloc (09022015). Collection method: clinical testing. Allele origin: germline.
Comment: This sequence change replaces threonine, which is neutral and polar, with isoleucine, which is neutral and non-polar, at codon 196 of the ACTA1 protein (p.Thr196Ile). This variant is not present in population databases (gnomAD no frequency). This missense change has been observed in individual(s) with autosomal dominant congenital myopathy (PMID: 31321302). ClinVar contains an entry for this variant (Variation ID: 1447156). Invitae Evidence Modeling of protein sequence and biophysical properties (such as structural, functional, and spatial information, amino acid conservation, physicochemical variation, residue mobility, and thermodynamic stability) indicates that this missense variant is not expected to disrupt ACTA1 protein function with a negative predictive value of 80%. In summary, the available evidence is currently insufficient to determine the role of this variant in disease. Therefore, it has been classified as a Variant of Uncertain Significance.

Revvity Omics, Revvity
Classification: Uncertain significance. Last evaluated: 2019-06-20. Review status: criteria provided, single submitter. Criteria: ACMG Guidelines, 2015. Collection method: clinical testing. Allele origin: germline.

Literature cited by the submitters: PubMed 31321302 (cited by Labcorp Genetics (formerly Invitae), Labcorp).

NM_001100.4(ACTA1):c.587C>T (p.Thr196Ile)

Gene: ACTA1 (actin alpha 1, skeletal muscle; minus strand). Cytogenetic location: 1q42.13.
Variant type: single nucleotide variant.
Coding change: c.587C>T on transcript NM_001100.4 (MANE Select); coding-DNA position 587, C replaced by T.
Protein change: p.Thr196Ile; replaces threonine 196 with isoleucine.
Molecular consequence: missense variant.
Genome position (GRCh38, 1-based): chr1:229,432,299, G>A on the plus strand (C>T on the coding strand, the complement: ACTA1 is on the minus strand). VCF-style: chr1-229432299-G-A. GRCh37 (hg19) VCF-style: chr1-229568046-G-A.
Other names: c.587C>T (NM_001100.3); short protein forms T196I.
Identifiers: ClinVar variation 1447156 (VCV001447156.8), dbSNP rs2102735869, ClinGen allele CA345148018.